The following is an entry in ClinVar:

ClinVar aggregate classification (germline): Uncertain significance (1 of 4 stars; one submission).

Submission:

CeGaT Center for Human Genetics Tuebingen
Classification: Uncertain significance. Last evaluated: 2023-08-01. Review status: criteria provided, single submitter. Criteria: CeGaT Center For Human Genetics Tuebingen Variant Classification Criteria Version 2. Collection method: clinical testing. Allele origin: germline. Affected: yes. Observed: 1 variant allele.
Comment: TUBA1A: PM2, PVS1:Supporting

NM_006009.4(TUBA1A):c.489del (p.Lys164fs)

Gene: TUBA1A (tubulin alpha 1a; minus strand). Cytogenetic location: 12q13.12.
Variant type: Deletion.
Coding change: c.489del on transcript NM_006009.4 (MANE Select); coding-DNA position 489, one base deleted (G; older notation c.489delG).
Protein change: p.Lys164fs; shifts the reading frame from lysine 164.
Molecular consequence: frameshift variant.
Genome position (GRCh38, 1-based): chr12:49,185,877, C deleted on the plus strand (G on the coding strand, the reverse complement: TUBA1A is on the minus strand). VCF-style (leftmost placement, unchanged base first): chr12-49185876-TC-T. GRCh37 (hg19) VCF-style: chr12-49579659-TC-T.
Other names: c.489del, p.Lys164fs (NM_001270399.2); c.384del, p.Lys129fs (NM_001270400.2); short protein forms K129fs, K164fs.
Identifiers: ClinVar variation 2578681 (VCV002578681.25), dbSNP rs2498861080, ClinGen allele CA2580617843.
Genomic context (GRCh38, chr12:49,185,876, plus strand): 5'-GCTCAACTACAGCTGTGGAAACCTGGGGCGCCGGGTAAATAGAGAACTCCAGCTTGGACT[TC>T]TTGCCATAATCAACTGAGAGACGTTCCATGAGCAGCGAGGTGAACCCAGAACCAGTTCCC-3'